The following is an entry in ClinVar:

NM_000059.4(BRCA2):c.1278A>T (p.Lys426Asn)

Gene: BRCA2 (BRCA2 DNA repair associated; plus strand). Cytogenetic location: 13q13.1.
Variant type: single nucleotide variant.
Coding change: c.1278A>T on transcript NM_000059.4 (MANE Select); coding-DNA position 1278, A replaced by T.
Protein change: p.Lys426Asn; replaces lysine 426 with asparagine.
Molecular consequence: missense variant. On other transcripts: non-coding transcript variant (1), intron variant (1).
Genome position (GRCh38, 1-based): chr13:32,332,756, A>T. VCF-style: chr13-32332756-A-T. GRCh37 (hg19) VCF-style: chr13-32906893-A-T.
Other names: c.1278A>T, p.Lys426Asn (NM_001406719.1, NM_001406720.1, NM_001406721.1); c.424+1726A>T (NM_001406722.1); short protein forms K426N.
Identifiers: ClinVar variation 2832050 (VCV002832050.3), dbSNP rs2548519930, ClinGen allele CA387762418.

ClinVar aggregate classification (germline): Uncertain significance (1 of 4 stars; one submission).

Conditions:
Hereditary breast ovarian cancer syndrome. Also called: Hereditary breast and ovarian cancer; BRCA1- and BRCA2-Associated Hereditary Breast and Ovarian Cancer; Hereditary breast and ovarian cancer syndrome; Hereditary breast and ovarian cancer syndrome (HBOC); Breast and ovarian cancer; Hereditary breast and/or ovarian cancer syndrome. Identifiers: Orphanet 145, MedGen C0677776, MeSH D061325, MONDO:0003582. Disease mechanism: loss of function.

Submission:

Labcorp Genetics (formerly Invitae), Labcorp
Classification: Uncertain significance for Hereditary breast ovarian cancer syndrome. Last evaluated: 2023-01-26. Review status: criteria provided, single submitter. Criteria: Invitae Variant Classification Sherloc (09022015). Collection method: clinical testing. Allele origin: germline.
Comment: In summary, the available evidence is currently insufficient to determine the role of this variant in disease. Therefore, it has been classified as a Variant of Uncertain Significance. Advanced modeling of protein sequence and biophysical properties (such as structural, functional, and spatial information, amino acid conservation, physicochemical variation, residue mobility, and thermodynamic stability) performed at Invitae indicates that this missense variant is not expected to disrupt BRCA2 protein function. This variant has not been reported in the literature in individuals affected with BRCA2-related conditions. This variant is not present in population databases (gnomAD no frequency). This sequence change replaces lysine, which is basic and polar, with asparagine, which is neutral and polar, at codon 426 of the BRCA2 protein (p.Lys426Asn).